The following is an entry in ClinVar:

NM_001297.5(CNGB1):c.2700G>A (p.Thr900=)

Gene: CNGB1 (cyclic nucleotide gated channel subunit beta 1; minus strand). Cytogenetic location: 16q21.
Variant type: single nucleotide variant.
Coding change: c.2700G>A on transcript NM_001297.5 (MANE Select); coding-DNA position 2700, G replaced by A.
Protein change: p.Thr900=; no amino-acid change (threonine 900 retained).
Molecular consequence: synonymous variant.
Genome position (GRCh38, 1-based): chr16:57,903,916, C>T on the plus strand (G>A on the coding strand, the complement: CNGB1 is on the minus strand). VCF-style: chr16-57903916-C-T. GRCh37 (hg19) VCF-style: chr16-57937820-C-T.
Other names: c.2682G>A, p.Thr894= (NM_001286130.2).
Identifiers: ClinVar variation 320073 (VCV000320073.49), dbSNP rs72782250, ClinGen allele CA8082855.

ClinVar aggregate classification (germline): Conflicting classifications of pathogenicity. Review status: criteria provided, conflicting classifications (1 of 4 stars). 4 submissions from 4 submitters: Uncertain significance (1); Benign (3). Last evaluated 2026-02-02.

Conditions:
Retinitis pigmentosa 45 (RP45). Identifiers: Orphanet 791, MedGen C3151066, MONDO:0013413, OMIM 613767.
Retinitis pigmentosa (RP). Identifiers: Orphanet 791, MedGen C0035334, MeSH D012174, MONDO:0019200, OMIM 268000. Inheritance: Autosomal dominant, autosomal recessive and X linked inheritance.

Allele frequency attached by ClinVar (database versions not stated): 1000 Genomes Project 0.00180; 1000 Genomes Project 30x 0.00234; TOPMed 0.00612; gnomAD 0.00696 and 0.00722; gnomAD exomes 0.00701 and 0.01042; ExAC 0.00757; ESP Exome Variant Server 0.00797.

Submissions (4):

Labcorp Genetics (formerly Invitae), Labcorp
Classification: Benign. Last evaluated: 2026-02-02. Review status: criteria provided, single submitter. Criteria: Invitae Variant Classification Sherloc (09022015). Collection method: clinical testing. Allele origin: germline.

CeGaT Center for Human Genetics Tuebingen
Classification: Benign. Last evaluated: 2025-02-01. Review status: criteria provided, single submitter. Criteria: CeGaT Center For Human Genetics Tuebingen Variant Classification Criteria Version 2. Collection method: clinical testing. Allele origin: germline. Affected: yes. Observed: 5 variant alleles.
Comment: CNGB1: BP4, BP7, BS1, BS2

ARUP Laboratories, Molecular Genetics and Genomics, ARUP Laboratories
Classification: Benign for Retinitis pigmentosa 45. Last evaluated: 2023-09-14. Review status: criteria provided, single submitter. Criteria: ARUP Molecular Germline Variant Investigation Process 2024. Collection method: clinical testing. Allele origin: germline.

Illumina Laboratory Services, Illumina
Classification: Uncertain significance for Retinitis pigmentosa. Last evaluated: 2018-01-13. Review status: criteria provided, single submitter. Criteria: ICSL Variant Classification Criteria 13 December 2019. Collection method: clinical testing. Allele origin: germline.